The following is an entry in ClinVar:

ClinVar aggregate classification (germline): Likely pathogenic. Review status: reviewed by expert panel (3 of 4 stars). 3 submissions from 3 submitters: Likely pathogenic (1). 2 of the submissions do not count toward it. Last evaluated 2024-08-27.

Conditions:
Actin accumulation myopathy (CMYO2A). Also called: Nemaline myopathy type 3; Myopathy, actin, congenital, with excess of thin myofilaments; CONGENITAL MYOPATHY 2A, TYPICAL, AUTOSOMAL DOMINANT; Myopathy, actin, congenital, with cores; Nemaline myopathy 3, with intranuclear rods. Identifiers: Orphanet 98904, MedGen C3711389, MONDO:0008070, OMIM 161800.
Alpha-actinopathy. Also called: Actinopathy. Identifiers: MedGen CN295279, MONDO:0100084.

Submissions (3):

ClinGen Congenital Myopathies Variant Curation Expert Panel, ClinGen
Classification: Likely pathogenic for Alpha-actinopathy. Last evaluated: 2024-08-27. Review status: reviewed by expert panel. Criteria: ClinGen CongenMyopathy ACMG Specifications ACTA1_AD_ V2.0.0. Collection method: curation. Allele origin: germline. Inheritance: Autosomal dominant inheritance.
Comment: The c.172G>A variant in ACTA 1 is a missense variant predicted to cause a substitution of aspartic acid by asparagine at amino acid position 58. This variant is absent from gnomAD v4.1.1 (PM2_Supporting). The computational predictor REVEL gives a score of 0.893, which is above the threshold of 0.7 set by the CM VCEP (PP3). ACTA1, in which the variant was identified, is defined by the ClinGen Congenital Myopathies VCEP as a gene that has a low rate of benign missense variation and where pathogenic missense variants are a common mechanism of disease (PP2). This variant was observed to occur de novo in a proband with congenital hypotonia, muscle weakness, failure to thrive, poor feeding, developmental delay and normal creatine kinase levels (PS2, SCV000934090.3). In summary, this variant meets the criteria to be classified as likely pathogenic for autosomal dominant alpha-actinopathy based on the ACMG/AMP criteria applied, as specified by the ClinGen Congenital Myopathies VCEP: PS2, PM2_Supporting, PP2, PP3 (Congenital Myopathies VCEP specifications version 2; 08/27/2024).

Labcorp Genetics (formerly Invitae), Labcorp
Classification: Likely pathogenic for Actin accumulation myopathy. Last evaluated: 2018-10-08. Review status: criteria provided, single submitter. Criteria: Invitae Variant Classification Sherloc (09022015). Collection method: clinical testing. Allele origin: germline. Not counted in ClinVar's aggregate classification.
Comment: This sequence change replaces aspartic acid with asparagine at codon 58 of the ACTA1 protein (p.Asp58Asn). The aspartic acid residue is highly conserved and there is a small physicochemical difference between aspartic acid and asparagine. This variant is not present in population databases (ExAC no frequency). This variant has been reported in individuals in the Leiden Open-source Variation Database (PMID: 21520333). ClinVar contains an entry for this variant (Variation ID: 427190). Algorithms developed to predict the effect of missense changes on protein structure and function are either unavailable or do not agree on the potential impact of this missense change (SIFT: "Deleterious"; PolyPhen-2: "Benign"; Align-GVGD: "Class C15"). In summary, the currently available evidence indicates that the variant is pathogenic, but additional data are needed to prove that conclusively. Therefore, this variant has been classified as Likely Pathogenic.

GeneDx
Classification: Likely pathogenic. Last evaluated: 2015-04-18. Review status: criteria provided, single submitter. Criteria: GeneDx Variant Classification (06012015). Collection method: clinical testing. Allele origin: germline. Affected: yes. Not counted in ClinVar's aggregate classification.
Comment: The D58N variant in the ACTA1 gene has not been published as a pathogenic variant, nor has it been reported as a benign polymorphism to our knowledge. The D58N variant was not observed in approximately 6500 individuals of European and African American ancestry in the NHLBI Exome Sequencing Project, indicating it is not a common benign variant in these populations. The D58N variant is a semi-conservative amino acid substitution, which may impact secondary protein structure as these residues differ in some properties. This substitution occurs at a position that is conserved across species. In silico analysis is inconsistent in its predictions as to whether or not the variant is damaging to the protein structure/function. Missense variants in nearby residues (G48C, G48D, M49V, G50C, G57R, I66N, I66S, T68I) have been reported in the Human Gene Mutation Database in association with ACTA1-related myopathies (Stenson et al., 2014), supporting the functional importance of this region of the protein. The D58N variant is a strong candidate for a disease-causing variant, however the possibility it may be a rare benign variant cannot be excluded.

Literature cited by the submitters: PubMed 21520333 (cited by Labcorp Genetics (formerly Invitae), Labcorp).

NM_001100.4(ACTA1):c.172G>A (p.Asp58Asn)

Gene: ACTA1 (actin alpha 1, skeletal muscle; minus strand). Cytogenetic location: 1q42.13.
Variant type: single nucleotide variant.
Coding change: c.172G>A on transcript NM_001100.4 (MANE Select); coding-DNA position 172, G replaced by A.
Protein change: p.Asp58Asn; replaces aspartic acid 58 with asparagine.
Molecular consequence: missense variant.
Genome position (GRCh38, 1-based): chr1:229,432,838, C>T on the plus strand (G>A on the coding strand, the complement: ACTA1 is on the minus strand). VCF-style: chr1-229432838-C-T. GRCh37 (hg19) VCF-style: chr1-229568585-C-T.
Other names: NM_001100.4(ACTA1):c.172G>A; p.Asp58Asn; short protein forms D58N.
Identifiers: ClinVar variation 427190 (VCV000427190.12), dbSNP rs1085308014, ClinGen allele CA345150874.